The following is an entry in ClinVar:

NM_000552.5(VWF):c.3675-1G>A

Gene: VWF (von Willebrand factor; minus strand). Cytogenetic location: 12p13.31.
Variant type: single nucleotide variant.
Coding change: c.3675-1G>A on transcript NM_000552.5 (MANE Select); the canonical splice acceptor site of the intron before coding-DNA position 3675, G replaced by A.
Molecular consequence: splice acceptor variant.
Genome position (GRCh38, 1-based): chr12:6,019,744, C>T on the plus strand (G>A on the coding strand, the complement: VWF is on the minus strand). VCF-style: chr12-6019744-C-T. GRCh37 (hg19) VCF-style: chr12-6128910-C-T.
Identifiers: ClinVar variation 627203 (VCV000627203.5), dbSNP rs746457842, ClinGen allele CA6402700.

ClinVar aggregate classification (germline): Pathogenic/Likely pathogenic. Review status: criteria provided, multiple submitters, no conflicts (2 of 4 stars). 3 submissions from 3 submitters: Pathogenic (1); Likely pathogenic (1). 1 of the submissions does not count toward it. Last evaluated 2025-10-17.

Conditions:
von Willebrand disorder (VWD). Also called: von Willebrand's disease; Von Willebrand disease (hereditary or acquired); von Willebrand Diseases. Identifiers: MedGen C0042974, MeSH D014842, MONDO:0024574.
von Willebrand disease type 3 (VWD3). Also called: Type 3 Von Willebrand's disease; Type 3 VWD; Von Willebrand disease, severe form; V WD3; VON WILLEBRAND DISEASE, TYPE III. Identifiers: Orphanet 166096, MedGen C1264041, MONDO:0010191, OMIM 277480.

Allele frequency attached by ClinVar (database versions not stated): gnomAD exomes below 0.00001 and 0.00001; ExAC 0.00001; TOPMed 0.00001.
gnomAD v4.1: 15 of 1,611,436 alleles (0.00093%); highest among the groups gnomAD compares: Non-Finnish European, 0.0012%; no homozygotes.

Submissions (3):

Women's Health and Genetics/Laboratory Corporation of America, LabCorp
Classification: Pathogenic for von Willebrand disorder. Last evaluated: 2025-10-17. Review status: criteria provided, single submitter. Criteria: LabCorp Variant Classification Summary - May 2015. Collection method: clinical testing. Allele origin: germline.
Comment: Variant summary: VWF c.3675-1G>A is located in a canonical splice-site and is predicted to affect mRNA splicing resulting in a significantly altered protein due to either exon skipping, shortening, or inclusion of intronic material. Variants that disrupt the consensus splice site are a relatively common cause of aberrant splicing and loss of VWF function. The variant allele was found at a frequency of 4.2e-06 in 237962 control chromosomes. c.3675-1G>A has been observed in the homozygous state in multiple individuals affected with Von Willebrand Disease (Baronciani_2021). These data indicate that the variant is very likely to be associated with disease. The following publication have been ascertained in the context of this evaluation (PMID: 34351388). ClinVar contains an entry for this variant (Variation ID: 627203). Based on the evidence outlined above, the variant was classified as pathogenic.

NIHR Bioresource Rare Diseases, University of Cambridge
Classification: Likely pathogenic for von Willebrand disease type 3. Last evaluated: 2019-02-01. Review status: criteria provided, single submitter. Criteria: ACMG Guidelines, 2015. Collection method: research. Allele origin: unknown. Affected: yes. Observed: 1 compound heterozygote. Study: ThromboGenomics.

Angelo Bianchi Bonomi Hemophilia and Thrombosis Center, Fondazione IRCCS Ca Granda Ospedale Maggiore Policlinico
Classification: Likely pathogenic for von Willebrand disease type 3. Last evaluated: 2020-11-01. Review status: no assertion criteria provided. Collection method: clinical testing. Allele origin: germline. Affected: yes. Study: Type 3 Von Willebrand International Registries Inhibitor Prospective Study (3WINTERS-IPS). Not counted in ClinVar's aggregate classification.
Comment: ClinGen Pathogenicity Calculator

Literature cited by the submitters: PubMed 34351388 (cited by Women's Health and Genetics/Laboratory Corporation of America, LabCorp); PubMed 31064749 (cited by NIHR Bioresource Rare Diseases, University of Cambridge).